The following is an entry in ClinVar:

NM_001849.4(COL6A2):c.1054-100A>C

Gene: COL6A2 (collagen type VI alpha 2 chain; plus strand). Cytogenetic location: 21q22.3.
Variant type: single nucleotide variant.
Coding change: c.1054-100A>C on transcript NM_001849.4 (MANE Select); 100 bases into the intron before coding-DNA position 1054, A replaced by C.
Molecular consequence: intron variant.
Genome position (GRCh38, 1-based): chr21:46,117,774, A>C. VCF-style: chr21-46117774-A-C. GRCh37 (hg19) VCF-style: chr21-47537688-A-C.
Other names: c.1054-100A>C (NM_058175.3, NM_058174.3).
Identifiers: ClinVar variation 679821 (VCV000679821.2), dbSNP rs114067391, ClinGen allele CA14895787.

ClinVar aggregate classification (germline): Benign. Review status: criteria provided, multiple submitters, no conflicts (2 of 4 stars). 2 submissions from 2 submitters: Benign (2). Last evaluated 2018-06-16.

Allele frequency attached by ClinVar (database versions not stated): gnomAD exomes 0.00162; 1000 Genomes Project 0.01318; 1000 Genomes Project 30x 0.01405; gnomAD 0.01508 and 0.01626; TOPMed 0.01767.
gnomAD v4.1: 4,118 of 1,201,934 alleles (0.34%); highest among the groups gnomAD compares: African/African-American, 5%; 94 homozygotes.

Submissions (2):

GeneDx
Classification: Benign. Last evaluated: 2018-06-16. Review status: criteria provided, single submitter. Criteria: GeneDx Variant Classification (06012015). Collection method: clinical testing. Allele origin: germline. Affected: yes.
Comment: This variant is considered likely benign or benign based on one or more of the following criteria: it is a conservative change, it occurs at a poorly conserved position in the protein, it is predicted to be benign by multiple in silico algorithms, and/or has population frequency not consistent with disease.

Breakthrough Genomics
Classification: Benign. Review status: criteria provided, single submitter. Criteria: ACMG Guidelines, 2015. Collection method: not provided. Allele origin: germline. Inheritance: Autosomal recessive inheritance. Affected: yes.